The following is an entry in ClinVar:

ClinVar aggregate classification (germline): Likely benign. Review status: criteria provided, multiple submitters, no conflicts (2 of 4 stars). 5 submissions from 4 submitters: Likely benign (5). Last evaluated 2025-11-12.

Conditions:
Retinitis pigmentosa 39 (RP39). Identifiers: Orphanet 791, MedGen C3151138, MONDO:0013436, OMIM 613809.
Usher syndrome type 2A. Also called: RETINAL DISEASE IN USHER SYNDROME TYPE IIA, MODIFIER OF; USHER SYNDROME, TYPE IIA. Identifiers: Orphanet 231178, Orphanet 886, MedGen C1848634, MONDO:0010169, OMIM 276901.

Allele frequency attached by ClinVar (database versions not stated): gnomAD 0.00001; gnomAD exomes 0.00005 and 0.00012; TOPMed 0.00006; ExAC 0.00010; 1000 Genomes Project 0.00020; 1000 Genomes Project 30x 0.00031.
gnomAD v4.1: 34 of 1,614,116 alleles (0.0021%); highest among the groups gnomAD compares: Admixed American, 0.055%; no homozygotes.

Submissions (5):

Labcorp Genetics (formerly Invitae), Labcorp
Classification: Likely benign. Last evaluated: 2025-11-12. Review status: criteria provided, single submitter. Criteria: Invitae Variant Classification Sherloc (09022015). Collection method: clinical testing. Allele origin: germline.

Genome-Nilou Lab
Classification: Likely benign for Retinitis pigmentosa 39. Last evaluated: 2023-11-04. Review status: criteria provided, single submitter. Criteria: ACMG Guidelines, 2015. Collection method: clinical testing. Allele origin: germline. Affected: no.

Genome-Nilou Lab
Classification: Likely benign for Usher syndrome type 2A. Last evaluated: 2023-11-04. Review status: criteria provided, single submitter. Criteria: ACMG Guidelines, 2015. Collection method: clinical testing. Allele origin: germline. Affected: no.

Blueprint Genetics
Classification: Likely benign. Last evaluated: 2021-08-05. Review status: criteria provided, single submitter. Criteria: ACMG Guidelines, 2015. Collection method: clinical testing. Allele origin: germline.

Laboratory for Molecular Medicine, Mass General Brigham Personalized Medicine
Classification: Likely benign. Last evaluated: 2017-12-21. Review status: criteria provided, single submitter. Criteria: LMM Criteria. Collection method: clinical testing. Allele origin: germline. Observed: 1 variant allele.
Comment: p.Ile4462Ile in exon 63 of USH2A: This variant is not expected to have clinical significance because it does not alter an amino acid residue and is not located within the splice consensus sequence. It has been identified in 0.08% (27/33558) of Latino chromosomes by the Genome Aggregation Database (gnomAD .; dbSNP rs187707339). ACMG/AMP criteria applied: BP7.

NM_206933.4(USH2A):c.13386C>T (p.Ile4462=)

Gene: USH2A (usherin; minus strand). Cytogenetic location: 1q41.
Variant type: single nucleotide variant.
Coding change: c.13386C>T on transcript NM_206933.4 (MANE Select); coding-DNA position 13386, C replaced by T.
Protein change: p.Ile4462=; no amino-acid change (isoleucine 4462 retained).
Molecular consequence: synonymous variant.
Genome position (GRCh38, 1-based): chr1:215,674,525, G>A on the plus strand (C>T on the coding strand, the complement: USH2A is on the minus strand). VCF-style: chr1-215674525-G-A. GRCh37 (hg19) VCF-style: chr1-215847867-G-A.
Identifiers: ClinVar variation 517584 (VCV000517584.15), dbSNP rs187707339, ClinGen allele CA1393297.